The following is an entry in ClinVar:

ClinVar aggregate classification (germline): Likely benign. Review status: criteria provided, multiple submitters, no conflicts (2 of 4 stars). 3 submissions from 3 submitters: Likely benign (3). Last evaluated 2026-05-22.

Conditions:
TYRP1-related disorder. Also called: TYRP1-related condition.

Allele frequency attached by ClinVar (database versions not stated): gnomAD 0.00001; gnomAD exomes 0.00003 and 0.00009; ExAC 0.00005; TOPMed 0.00008.

Submissions (3):

PreventionGenetics, part of Exact Sciences
Classification: Likely benign for TYRP1-related condition. Last evaluated: 2026-05-22. Review status: criteria provided, single submitter. Criteria: ACMG Guidelines, 2015. Collection method: clinical testing. Allele origin: germline.
Comment: This variant is classified as likely benign based on ACMG/AMP sequence variant interpretation guidelines (Richards et al. 2015 PMID: 25741868, with internal and published modifications).

Labcorp Genetics (formerly Invitae), Labcorp
Classification: Likely benign. Last evaluated: 2024-10-08. Review status: criteria provided, single submitter. Criteria: Invitae Variant Classification Sherloc (09022015). Collection method: clinical testing. Allele origin: germline.

Blueprint Genetics
Classification: Likely benign. Last evaluated: 2022-07-04. Review status: criteria provided, single submitter. Criteria: ACMG Guidelines, 2015. Collection method: clinical testing. Allele origin: germline.

NM_000550.3(TYRP1):c.678C>T (p.Tyr226=)

Gene: TYRP1 (tyrosinase related protein 1; plus strand). Cytogenetic location: 9p23.
Variant type: single nucleotide variant.
Coding change: c.678C>T on transcript NM_000550.3 (MANE Select); coding-DNA position 678, C replaced by T.
Protein change: p.Tyr226=; no amino-acid change (tyrosine 226 retained).
Molecular consequence: synonymous variant.
Genome position (GRCh38, 1-based): chr9:12,695,807, C>T. VCF-style: chr9-12695807-C-T. GRCh37 (hg19) VCF-style: chr9-12695807-C-T.
Other names: c.678C>T (NM_000550.2).
Identifiers: ClinVar variation 1648969 (VCV001648969.10), dbSNP rs765921811, ClinGen allele CA4985279.